The following is an entry in ClinVar:

ClinVar aggregate classification (germline): Uncertain significance (1 of 4 stars; one submission).

Conditions:
Fanconi anemia (FA). Also called: Fanconi's anemia. Identifiers: Orphanet 84, MedGen C0015625, MeSH D005199, MONDO:0019391.

Submission:

Labcorp Genetics (formerly Invitae), Labcorp
Classification: Uncertain significance for Fanconi anemia. Last evaluated: 2023-10-11. Review status: criteria provided, single submitter. Criteria: Invitae Variant Classification Sherloc (09022015). Collection method: clinical testing. Allele origin: germline.
Comment: This sequence change replaces valine, which is neutral and non-polar, with isoleucine, which is neutral and non-polar, at codon 457 of the FANCB protein (p.Val457Ile). This variant is not present in population databases (gnomAD no frequency). This variant has not been reported in the literature in individuals affected with FANCB-related conditions. Advanced modeling of protein sequence and biophysical properties (such as structural, functional, and spatial information, amino acid conservation, physicochemical variation, residue mobility, and thermodynamic stability) performed at Invitae indicates that this missense variant is not expected to disrupt FANCB protein function. In summary, the available evidence is currently insufficient to determine the role of this variant in disease. Therefore, it has been classified as a Variant of Uncertain Significance.

NM_001018113.3(FANCB):c.1369G>A (p.Val457Ile)

Gene: FANCB (FA complementation group B; minus strand). Cytogenetic location: Xp22.2.
Variant type: single nucleotide variant.
Coding change: c.1369G>A on transcript NM_001018113.3 (MANE Select); coding-DNA position 1369, G replaced by A.
Protein change: p.Val457Ile; replaces valine 457 with isoleucine.
Molecular consequence: missense variant.
Genome position (GRCh38, 1-based): chrX:14,850,632, C>T on the plus strand (G>A on the coding strand, the complement: FANCB is on the minus strand). VCF-style: chrX-14850632-C-T. GRCh37 (hg19) VCF-style: chrX-14868754-C-T.
Other names: c.1369G>A, p.Val457Ile (NM_001324162.2, NM_001410764.1, NM_152633.4); short protein forms V457I.
Identifiers: ClinVar variation 3014176 (VCV003014176.3), dbSNP rs2518969924, ClinGen allele CA412442248.